The following is an entry in ClinVar:

ClinVar aggregate classification (germline): Uncertain significance. Review status: criteria provided, single submitter (1 of 4 stars). 2 submissions from 2 submitters: Uncertain significance (1). 1 of the submissions does not count toward it.

Conditions:
Renal cysts and diabetes syndrome (RCAD). Also called: Familial hypoplastic, glomerulocystic kidney; MATURITY-ONSET DIABETES OF THE YOUNG, TYPE 5. Identifiers: Orphanet 93111, MedGen C0431693, MONDO:0007669, OMIM 137920.

Submissions (2):

Neuberg Centre For Genomic Medicine, NCGM
Classification: Uncertain significance for Renal cysts and diabetes syndrome. Review status: criteria provided, single submitter. Criteria: ACMG Guidelines, 2015. Collection method: clinical testing. Allele origin: germline. Affected: yes.
Comment: The missense variant p.L286P in HNF1B (NM_000458.4) has not be reported previously as a pathogenic or a benign variant to the best of our knowledge.Another missense mutation affecting the same amino acid L286V has been previously reported to be disease causing (Alvelos et al). The p.L286P variant is novel (not in any individuals) in gnomAD Exomes and is novel (not in any individuals) in 1000 Genomes. The p.L286P missense variant is predicted to be damaging by both SIFT and PolyPhen2. The leucine residue at codon 286 of HNF1B is conserved in all mammalian species. The nucleotide c.857 in HNF1B is predicted conserved by GERP++ and PhyloP across 100 vertebrates. For these reasons, this variant has been classified as Uncertain Significance

Yale Center for Mendelian Genomics, Yale University
Classification: Likely pathogenic for Renal cysts and diabetes syndrome. Last evaluated: 2019-01-17. Review status: no assertion criteria provided. Collection method: literature only. Allele origin: germline. Affected: yes. Observed: 1 heterozygote. Study: Yale Center for Mendelian Genomics. Not counted in ClinVar's aggregate classification.

Literature cited by the submitters: PubMed 30655312 (cited by Yale Center for Mendelian Genomics, Yale University).

NM_000458.4(HNF1B):c.857T>C (p.Leu286Pro)

Gene: HNF1B (HNF1 homeobox B; minus strand). Cytogenetic location: 17q12.
Variant type: single nucleotide variant.
Coding change: c.857T>C on transcript NM_000458.4 (MANE Select); coding-DNA position 857, T replaced by C.
Protein change: p.Leu286Pro; replaces leucine 286 with proline.
Molecular consequence: missense variant.
Genome position (GRCh38, 1-based): chr17:37,731,783, A>G on the plus strand (T>C on the coding strand, the complement: HNF1B is on the minus strand). VCF-style: chr17-37731783-A-G. GRCh37 (hg19) VCF-style: chr17-36091774-A-G.
Other names: c.779T>C, p.Leu260Pro (NM_001165923.4, NM_001304286.2); short protein forms L260P, L286P.
Identifiers: ClinVar variation 1339005 (VCV001339005.3), dbSNP rs2147545592, ClinGen allele CA398746965.
Genomic context (GRCh38, chr17:37,731,783, plus strand): 5'-TCCTTCCTGCGGTTTGCAAACCAGTTGTAGACACGGACCTCAGTGACCAAGTTGGAGCCC[A>G]GGCCGTGGGCTTTGGAGGGGGACACCCCTCGCTGCAAACATTCTGCCCTGGGAATGGATG-3'
Protein context (NP_000449.1, residues 276-296): RGVSPSKAHG[Leu286Pro]GSNLVTEVRV